The following is an entry in ClinVar:

ClinVar aggregate classification (germline): Uncertain significance (1 of 4 stars; one submission).

gnomAD v4.1: 13 of 1,605,602 alleles (0.00081%); highest among the groups gnomAD compares: Non-Finnish European, 0.00094%; no homozygotes.

Submission:

Labcorp Genetics (formerly Invitae), Labcorp
Classification: Uncertain significance. Last evaluated: 2024-05-13. Review status: criteria provided, single submitter. Criteria: Invitae Variant Classification Sherloc (09022015). Collection method: clinical testing. Allele origin: germline.
Comment: This sequence change replaces glutamic acid, which is acidic and polar, with alanine, which is neutral and non-polar, at codon 1255 of the ITPR1 protein (p.Glu1255Ala). This variant is present in population databases (rs199577774, gnomAD 0.007%). This variant has not been reported in the literature in individuals affected with ITPR1-related conditions. Advanced modeling of protein sequence and biophysical properties (such as structural, functional, and spatial information, amino acid conservation, physicochemical variation, residue mobility, and thermodynamic stability) has been performed at Invitae for this missense variant, however the output from this modeling did not meet the statistical confidence thresholds required to predict the impact of this variant on ITPR1 protein function. In summary, the available evidence is currently insufficient to determine the role of this variant in disease. Therefore, it has been classified as a Variant of Uncertain Significance.

NM_001378452.1(ITPR1):c.3836A>C (p.Glu1279Ala)

Gene: ITPR1 (inositol 1,4,5-trisphosphate receptor type 1; plus strand). Cytogenetic location: 3p26.1.
Variant type: single nucleotide variant.
Coding change: c.3836A>C on transcript NM_001378452.1 (MANE Select); coding-DNA position 3836, A replaced by C.
Protein change: p.Glu1279Ala; replaces glutamic acid 1279 with alanine.
Molecular consequence: missense variant.
Genome position (GRCh38, 1-based): chr3:4,691,151, A>C. VCF-style: chr3-4691151-A-C. GRCh37 (hg19) VCF-style: chr3-4732835-A-C.
Other names: c.3809A>C, p.Glu1270Ala (NM_001099952.4); c.3791A>C, p.Glu1264Ala (NM_001168272.2); c.3764A>C, p.Glu1255Ala (NM_002222.7); short protein forms E1255A, E1264A, E1270A, E1279A.
Identifiers: ClinVar variation 3616368 (VCV003616368.2).